The following is an entry in ClinVar:

NM_004408.4(DNM1):c.2510A>C (p.Asn837Thr)

Gene: DNM1 (dynamin 1; plus strand). Cytogenetic location: 9q34.11.
Variant type: single nucleotide variant.
Coding change: c.2510A>C on transcript NM_004408.4 (MANE Select); coding-DNA position 2510, A replaced by C.
Protein change: p.Asn837Thr; replaces asparagine 837 with threonine.
Molecular consequence: missense variant.
Genome position (GRCh38, 1-based): chr9:128,250,916, A>C. VCF-style: chr9-128250916-A-C. GRCh37 (hg19) VCF-style: chr9-131013195-A-C.
Other names: c.2510A>C, p.Asn837Thr (NM_001005336.3, NM_001288737.2, NM_001288738.2 and 2 more transcripts); short protein forms N837T.
Identifiers: ClinVar variation 1805134 (VCV001805134.2), dbSNP rs1205305266, ClinGen allele CA375002013.
Genomic context (GRCh38, chr9:128,250,916, plus strand): 5'-CCAGGCCGGGGGCTTCCCCTGACCCTTTCGGCCCTCCCCCTCAGGTGCCCTCGCGCCCCA[A>C]CCGCGCCCCGCCCGGGGTCCCCAGGTGAGTAGGGGCTGAATGCGGCTGGAGAGGCTGCCG-3'
Protein context (NP_004399.2, residues 827-847): GPPPQVPSRP[Asn837Thr]RAPPGVPSRS

ClinVar aggregate classification (germline): Uncertain significance. Review status: criteria provided, multiple submitters, no conflicts (2 of 4 stars). 2 submissions from 2 submitters: Uncertain significance (2). Last evaluated 2025-12-15.

Conditions:
Developmental and epileptic encephalopathy, 31A. Also called: Epileptic encephalopathy, early infantile, 31; Developmental and epileptic encephalopathy, 31. Identifiers: Orphanet 2382, MedGen C4225357, MONDO:0014598, OMIM 616346.

Submissions (2):

Labcorp Genetics (formerly Invitae), Labcorp
Classification: Uncertain significance for Developmental and epileptic encephalopathy, 31A. Last evaluated: 2025-12-15. Review status: criteria provided, single submitter. Criteria: Invitae Variant Classification Sherloc (09022015). Collection method: clinical testing. Allele origin: germline.
Comment: This sequence change replaces asparagine, which is neutral and polar, with threonine, which is neutral and polar, at codon 837 of the DNM1 protein (p.Asn837Thr). This variant is not present in population databases (gnomAD no frequency). This variant has not been reported in the literature in individuals affected with DNM1-related conditions. ClinVar contains an entry for this variant (Variation ID: 1805134). Invitae Evidence Modeling of protein sequence and biophysical properties (such as structural, functional, and spatial information, amino acid conservation, physicochemical variation, residue mobility, and thermodynamic stability) indicates that this missense variant is not expected to disrupt DNM1 protein function with a negative predictive value of 95%. In summary, the available evidence is currently insufficient to determine the role of this variant in disease. Therefore, it has been classified as a Variant of Uncertain Significance.

Victorian Clinical Genetics Services, Murdoch Childrens Research Institute
Classification: Uncertain significance for Developmental and epileptic encephalopathy, 31A. Last evaluated: 2022-02-02. Review status: criteria provided, single submitter. Criteria: ACMG Guidelines, 2015. Collection method: clinical testing. Allele origin: germline. Inheritance: Autosomal dominant inheritance.
Comment: Based on the classification scheme VCGS_Germline_v1.3.4, this variant is classified as VUS-3C. Following criteria are met: 0103 - Dominant negative and loss of function are known mechanisms of disease in this gene and are associated with developmental and epileptic encephalopathy 31 (MIM#616346). Missense variants located within the G-domain have been reported with a dominant negative mechanism, while missense variants located in the middle and PH domains have been associated with loss of function (PMIDs: 27066543, 28667181, 29397573). (I) 0107 - This gene is associated with autosomal dominant disease. (I) 0200 - Variant is predicted to result in a missense amino acid change from asparagine to threonine. (I) 0251 - This variant is heterozygous. (I) 0301 - Variant is absent from gnomAD (both v2 and v3). (SP) 0503 - Missense variant consistently predicted to be tolerated by multiple in silico tools or not conserved in placental mammals with a minor amino acid change. (SB) 0604 - Variant is not located in an established domain, motif, hotspot or informative constraint region. (I) 0705 - No comparable missense variants have previous evidence for pathogenicity. (I) 0807 - This variant has no previous evidence of pathogenicity. (I) 0905 - No published segregation evidence has been identified for this variant. (I) 1007 - No published functional evidence has been identified for this variant. (I) 1208 - Inheritance information for this variant is not currently available in this individual. (I) Legend: (SP) - Supporting pathogenic, (I) - Information, (SB) - Supporting benign

Literature cited by the submitters: PubMed 27066543 (cited by Victorian Clinical Genetics Services, Murdoch Childrens Research Institute); PubMed 28667181 (cited by Victorian Clinical Genetics Services, Murdoch Childrens Research Institute); PubMed 29397573 (cited by Victorian Clinical Genetics Services, Murdoch Childrens Research Institute).